The following is an entry in ClinVar:

NM_014425.5(INVS):c.66C>T (p.Ala22=)

Gene: INVS (inversin; plus strand). Cytogenetic location: 9q31.1.
Variant type: single nucleotide variant.
Coding change: c.66C>T on transcript NM_014425.5 (MANE Select); coding-DNA position 66, C replaced by T.
Protein change: p.Ala22=; no amino-acid change (alanine 22 retained).
Molecular consequence: synonymous variant. On other transcripts: 5 prime UTR variant (2), non-coding transcript variant (1).
Genome position (GRCh38, 1-based): chr9:100,104,587, C>T. VCF-style: chr9-100104587-C-T. GRCh37 (hg19) VCF-style: chr9-102866869-C-T.
Other names: c.-311C>T (NM_001318381.2); c.-924C>T (NM_001318382.2); c.66C>T (NM_014425.4).
Identifiers: ClinVar variation 1541912 (VCV001541912.9), dbSNP rs1419957613, ClinGen allele CA466552418.

ClinVar aggregate classification (germline): Likely benign. Review status: criteria provided, multiple submitters, no conflicts (2 of 4 stars). 2 submissions from 2 submitters: Likely benign (2). Last evaluated 2025-01-13.

Conditions:
INVS-related disorder. Also called: INVS-related condition.
Nephronophthisis. Also called: Juvenile Nephronophthisis. Identifiers: Orphanet 655, MedGen C0687120, MONDO:0019005, HP:0000090.

Allele frequency attached by ClinVar (database versions not stated): TOPMed below 0.00001; gnomAD 0.00001; gnomAD exomes 0.00001.
gnomAD v4.1: 19 of 1,613,840 alleles (0.0012%); highest among the groups gnomAD compares: African/African-American, 0.0027%; no homozygotes.

Submissions (2):

PreventionGenetics, part of Exact Sciences
Classification: Likely benign for INVS-related condition. Last evaluated: 2025-01-13. Review status: criteria provided, single submitter. Criteria: ACMG Guidelines, 2015. Collection method: clinical testing. Allele origin: germline.
Comment: This variant is classified as likely benign based on ACMG/AMP sequence variant interpretation guidelines (Richards et al. 2015 PMID: 25741868, with internal and published modifications).

Labcorp Genetics (formerly Invitae), Labcorp
Classification: Likely benign for Nephronophthisis. Last evaluated: 2024-01-18. Review status: criteria provided, single submitter. Criteria: Invitae Variant Classification Sherloc (09022015). Collection method: clinical testing. Allele origin: germline.